The following is an entry in ClinVar:

ClinVar aggregate classification (germline): Uncertain significance (1 of 4 stars; one submission).

Conditions:
Nance-Horan syndrome (NHS). Identifiers: Orphanet 627, MedGen C0796085, MONDO:0010545, OMIM 302350.

Submission:

Labcorp Genetics (formerly Invitae), Labcorp
Classification: Uncertain significance for Nance-Horan syndrome. Last evaluated: 2024-02-19. Review status: criteria provided, single submitter. Criteria: Invitae Variant Classification Sherloc (09022015). Collection method: clinical testing. Allele origin: germline.
Comment: This sequence change replaces serine, which is neutral and polar, with asparagine, which is neutral and polar, at codon 572 of the NHS protein (p.Ser572Asn). This variant is not present in population databases (gnomAD no frequency). This variant has not been reported in the literature in individuals affected with NHS-related conditions. Advanced modeling of protein sequence and biophysical properties (such as structural, functional, and spatial information, amino acid conservation, physicochemical variation, residue mobility, and thermodynamic stability) performed at Invitae indicates that this missense variant is not expected to disrupt NHS protein function with a negative predictive value of 80%. In summary, the available evidence is currently insufficient to determine the role of this variant in disease. Therefore, it has been classified as a Variant of Uncertain Significance.

NM_001291867.2(NHS):c.1778G>A (p.Ser593Asn)

Gene: NHS (NHS actin remodeling regulator; plus strand). Cytogenetic location: Xp22.13.
Variant type: single nucleotide variant.
Coding change: c.1778G>A on transcript NM_001291867.2 (MANE Select); coding-DNA position 1778, G replaced by A.
Protein change: p.Ser593Asn; replaces serine 593 with asparagine.
Molecular consequence: missense variant.
Genome position (GRCh38, 1-based): chrX:17,725,884, G>A. VCF-style: chrX-17725884-G-A. GRCh37 (hg19) VCF-style: chrX-17744004-G-A.
Other names: c.1247G>A, p.Ser416Asn (NM_001136024.4); c.1184G>A, p.Ser395Asn (NM_001291868.2); c.1715G>A, p.Ser572Asn (NM_198270.4); short protein forms S395N, S416N, S572N, S593N.
Identifiers: ClinVar variation 3698360 (VCV003698360.2).